The following is an entry in ClinVar:

ClinVar aggregate classification (germline): Uncertain significance. Review status: criteria provided, multiple submitters, no conflicts (2 of 4 stars). 2 submissions from 2 submitters: Uncertain significance (2). Last evaluated 2025-04-09.

Conditions:
Luscan-Lumish syndrome. Identifiers: Orphanet 597738, MedGen C4085873, MONDO:0014791, OMIM 616831.

gnomAD v4.1: 10 of 1,601,180 alleles (0.00062%); highest among the groups gnomAD compares: Non-Finnish European, 0.00077%; no homozygotes.

Submissions (2):

Labcorp Genetics (formerly Invitae), Labcorp
Classification: Uncertain significance for Luscan-Lumish syndrome. Last evaluated: 2025-04-09. Review status: criteria provided, single submitter. Criteria: Invitae Variant Classification Sherloc (09022015). Collection method: clinical testing. Allele origin: germline.
Comment: This sequence change replaces methionine, which is neutral and non-polar, with threonine, which is neutral and polar, at codon 2369 of the SETD2 protein (p.Met2369Thr). This variant is not present in population databases (gnomAD no frequency). This variant has not been reported in the literature in individuals affected with SETD2-related conditions. An algorithm developed to predict the effect of missense changes on protein structure and function (PolyPhen-2) suggests that this variant is likely to be tolerated. In summary, the available evidence is currently insufficient to determine the role of this variant in disease. Therefore, it has been classified as a Variant of Uncertain Significance.

Blueprint Genetics
Classification: Uncertain significance. Last evaluated: 2021-04-28. Review status: criteria provided, single submitter. Criteria: ACMG Guidelines, 2015. Collection method: clinical testing. Allele origin: germline.

NM_014159.7(SETD2):c.7106T>C (p.Met2369Thr)

Gene: SETD2 (SET domain containing 2, histone lysine methyltransferase; minus strand). Cytogenetic location: 3p21.31.
Variant type: single nucleotide variant.
Coding change: c.7106T>C on transcript NM_014159.7 (MANE Select); coding-DNA position 7106, T replaced by C.
Protein change: p.Met2369Thr; replaces methionine 2369 with threonine.
Molecular consequence: missense variant. On other transcripts: non-coding transcript variant (1).
Genome position (GRCh38, 1-based): chr3:47,042,693, A>G on the plus strand (T>C on the coding strand, the complement: SETD2 is on the minus strand). VCF-style: chr3-47042693-A-G. GRCh37 (hg19) VCF-style: chr3-47084183-A-G.
Other names: c.6974T>C, p.Met2325Thr (NM_001349370.3); short protein forms M2325T, M2369T.
Identifiers: ClinVar variation 4739865 (VCV004739865.2).